The following is an entry in ClinVar:

ClinVar aggregate classification (germline): Pathogenic. Review status: criteria provided, multiple submitters, no conflicts (2 of 4 stars). 4 submissions from 4 submitters: Pathogenic (4). Last evaluated 2025-10-14.

Conditions:
Medium-chain acyl-coenzyme A dehydrogenase deficiency (ACADMD). Also called: MCADH DEFICIENCY; Medium chain acyl-CoA dehydrogenase deficiency; MCADD; MCAD Deficiency; CARNITINE DEFICIENCY SECONDARY TO MEDIUM-CHAIN ACYL-CoA DEHYDROGENASE DEFICIENCY; ACADM DEFICIENCY. Identifiers: Orphanet 42, MedGen C0220710, MONDO:0008721, OMIM 201450.

Allele frequency attached by ClinVar (database versions not stated): TOPMed below 0.00001; ExAC 0.00001; gnomAD exomes 0.00001.

Submissions (4):

Natera, Inc.
Classification: Pathogenic for Medium Chain Acyl-CoA Dehydrogenase Deficiency. Last evaluated: 2025-10-14. Review status: criteria provided, single submitter. Criteria: Natera Variant Classification Schema (03/2026). Collection method: clinical testing. Allele origin: germline.
Comment: The c.85C>T variant in ACADM is a nonsense variant predicted to introduce a stop codon at amino acid 29. This variant is expected to result in nonsense mediated decay, truncation, or a dysfunctional protein product. This variant is rare in the general population with a frequency below the threshold expected for the associated phenotype(s). This variant has been observed in one or more individuals affected with the associated recessive disease, as either homozygous or compound heterozygous with a second variant (PMID: 23028790, 16737882). Given the available evidence, this variant is classified as Pathogenic.

Baylor Genetics
Classification: Pathogenic for Medium-chain acyl-coenzyme A dehydrogenase deficiency. Last evaluated: 2023-03-30. Review status: criteria provided, single submitter. Criteria: ACMG Guidelines, 2015. Collection method: clinical testing. Allele origin: unknown.

Labcorp Genetics (formerly Invitae), Labcorp
Classification: Pathogenic for Medium-chain acyl-coenzyme A dehydrogenase deficiency. Last evaluated: 2022-09-03. Review status: criteria provided, single submitter. Criteria: Invitae Variant Classification Sherloc (09022015). Collection method: clinical testing. Allele origin: germline.
Comment: For these reasons, this variant has been classified as Pathogenic. This sequence change creates a premature translational stop signal (p.Arg29*) in the ACADM gene. It is expected to result in an absent or disrupted protein product. Loss-of-function variants in ACADM are known to be pathogenic (PMID: 16121256, 20434380). This variant is present in population databases (rs745793409, gnomAD 0.006%). This premature translational stop signal has been observed in individual(s) with MCAD deficiency (PMID: 16737882, 23028790). ClinVar contains an entry for this variant (Variation ID: 928650). Algorithms developed to predict the effect of sequence changes on RNA splicing suggest that this variant may disrupt the consensus splice site.

Women's Health and Genetics/Laboratory Corporation of America, LabCorp
Classification: Pathogenic for Medium-chain acyl-coenzyme A dehydrogenase deficiency. Last evaluated: 2022-05-19. Review status: criteria provided, single submitter. Criteria: LabCorp Variant Classification Summary - May 2015. Collection method: clinical testing. Allele origin: germline.
Comment: Variant summary: ACADM c.85C>T (p.Arg29X) results in a premature termination codon, predicted to cause a truncation of the encoded protein or absence of the protein due to nonsense mediated decay, which are commonly known mechanisms for disease. Truncations downstream of this position have been classified as pathogenic by our laboratory. The variant allele was found at a frequency of 8e-06 in 251424 control chromosomes. c.85C>T has been reported in the literature in at least one homozygous individual and one compound heterozygyous individual with Medium Chain Acyl-CoA Dehydrogenase Deficiency (Derks_2006, Strum_2012). In comparison to healthy controls, a patient homozygous for the variant had 6% residual protein activity, suggesting the variant impairs protein function (Strum_2012). One clinical diagnostic laboratory has submitted clinical-significance assessments for this variant to ClinVar after 2014 and classified the variant as pathogenic. Based on the evidence outlined above, the variant was classified as pathogenic.

Literature cited by the submitters: PubMed 23028790 (cited by 3 submitters); PubMed 16737882 (cited by 3 submitters); PubMed 16121256 (cited by Labcorp Genetics (formerly Invitae), Labcorp); PubMed 20434380 (cited by Labcorp Genetics (formerly Invitae), Labcorp).

NM_000016.6(ACADM):c.85C>T (p.Arg29Ter)

Gene: ACADM (acyl-CoA dehydrogenase medium chain; plus strand). Cytogenetic location: 1p31.1.
Variant type: single nucleotide variant.
Coding change: c.85C>T on transcript NM_000016.6 (MANE Select); coding-DNA position 85, C replaced by T.
Protein change: p.Arg29Ter; replaces arginine 29 with a stop codon.
Molecular consequence: nonsense. On other transcripts: intron variant (2).
Genome position (GRCh38, 1-based): chr1:75,728,455, C>T. VCF-style: chr1-75728455-C-T. GRCh37 (hg19) VCF-style: chr1-76194140-C-T.
Other names: c.97C>T, p.Arg33Ter (NM_001127328.3); c.85C>T, p.Arg29Ter (NM_001286043.2); c.10+3638C>T (NM_001286042.2); c.-268+3638C>T (NM_001286044.2); short protein forms R29*, R33*.
Identifiers: ClinVar variation 928650 (VCV000928650.11), dbSNP rs745793409, ClinGen allele CA912938.